The following is an entry in ClinVar:

NM_006218.4(PIK3CA):c.817A>G (p.Ile273Val)

Gene: PIK3CA (phosphatidylinositol-4,5-bisphosphate 3-kinase catalytic subunit alpha; plus strand). Cytogenetic location: 3q26.32.
Variant type: single nucleotide variant.
Coding change: c.817A>G on transcript NM_006218.4 (MANE Select); coding-DNA position 817, A replaced by G.
Protein change: p.Ile273Val; replaces isoleucine 273 with valine.
Molecular consequence: missense variant.
Genome position (GRCh38, 1-based): chr3:179,203,547, A>G. VCF-style: chr3-179203547-A-G. GRCh37 (hg19) VCF-style: chr3-178921335-A-G.
Other names: c.817A>G (LRG_310t1); short protein forms I273V.
Identifiers: ClinVar variation 571273 (VCV000571273.8), dbSNP rs765030404, ClinGen allele CA2710603.

ClinVar aggregate classification (germline): Conflicting classifications of pathogenicity. Review status: criteria provided, conflicting classifications (1 of 4 stars). 2 submissions from 2 submitters: Uncertain significance (1); Likely benign (1). Last evaluated 2023-01-09.

Conditions:
Inborn genetic diseases. Identifiers: MedGen C0950123, MeSH D030342.
Cowden syndrome (CS). Also called: Cowden's disease; Cowden's syndrome; Cowden disease. Identifiers: Orphanet 201, MedGen C0018553, MONDO:0016063. Disease mechanism: gain of function.

Allele frequency attached by ClinVar (database versions not stated): ExAC 0.00001; TOPMed 0.00001; gnomAD exomes 0.00002 and 0.00003.
gnomAD v4.1: 44 of 1,613,134 alleles (0.0027%); highest among the groups gnomAD compares: Non-Finnish European, 0.0036%; no homozygotes.

Submissions (2):

Labcorp Genetics (formerly Invitae), Labcorp
Classification: Uncertain significance for Cowden syndrome. Last evaluated: 2023-01-09. Review status: criteria provided, single submitter. Criteria: Invitae Variant Classification Sherloc (09022015). Collection method: clinical testing. Allele origin: germline.
Comment: In summary, the available evidence is currently insufficient to determine the role of this variant in disease. Therefore, it has been classified as a Variant of Uncertain Significance. Algorithms developed to predict the effect of missense changes on protein structure and function (SIFT, PolyPhen-2, Align-GVGD) all suggest that this variant is likely to be tolerated. ClinVar contains an entry for this variant (Variation ID: 571273). This variant has not been reported in the literature in individuals affected with PIK3CA-related conditions. This variant is present in population databases (rs765030404, gnomAD 0.005%). This sequence change replaces isoleucine, which is neutral and non-polar, with valine, which is neutral and non-polar, at codon 273 of the PIK3CA protein (p.Ile273Val).

Ambry Genetics
Classification: Likely benign for Inborn genetic diseases. Last evaluated: 2022-01-07. Review status: criteria provided, single submitter. Criteria: Ambry Variant Classification Scheme 2023. Collection method: clinical testing. Allele origin: germline.